The following is an entry in ClinVar:

ClinVar aggregate classification (germline): Likely pathogenic (1 of 4 stars; one submission).

Submission:

Labcorp Genetics (formerly Invitae), Labcorp
Classification: Likely pathogenic. Last evaluated: 2022-06-24. Review status: criteria provided, single submitter. Criteria: Invitae Variant Classification Sherloc (09022015). Collection method: clinical testing. Allele origin: germline.
Comment: In summary, the currently available evidence indicates that the variant is pathogenic, but additional data are needed to prove that conclusively. Therefore, this variant has been classified as Likely Pathogenic. Algorithms developed to predict the effect of sequence changes on RNA splicing suggest that this variant may disrupt the consensus splice site. This variant has not been reported in the literature in individuals affected with FRAS1-related conditions. This variant is not present in population databases (gnomAD no frequency). This sequence change affects a donor splice site in intron 6 of the FRAS1 gene. It is expected to disrupt RNA splicing. Variants that disrupt the donor or acceptor splice site typically lead to a loss of protein function (PMID: 16199547), and loss-of-function variants in FRAS1 are known to be pathogenic (PMID: 12766769, 18671281).

Literature cited by the submitters: PubMed 16199547; PubMed 12766769; PubMed 18671281.

NM_025074.7(FRAS1):c.603+1G>A

Gene: FRAS1 (Fraser extracellular matrix complex subunit 1; plus strand). Cytogenetic location: 4q21.21.
Variant type: single nucleotide variant.
Coding change: c.603+1G>A on transcript NM_025074.7 (MANE Select); the canonical splice donor site of the intron after coding-DNA position 603, G replaced by A.
Molecular consequence: splice donor variant.
Genome position (GRCh38, 1-based): chr4:78,255,376, G>A. VCF-style: chr4-78255376-G-A. GRCh37 (hg19) VCF-style: chr4-79176530-G-A.
Other names: c.603+1G>A (NM_001166133.2).
Identifiers: ClinVar variation 2010276 (VCV002010276.4), dbSNP rs2476518716, ClinGen allele CA357352607.
Genomic context (GRCh38, chr4:78,255,376, plus strand): 5'-TGTAGAAATGGGGTTGCCCAGTGCTTCACAGCTCAGTGTCAGCCTCTATTTTGTAACCAG[G>A]TAAGGAAGACAACCTCAGCATGCAGCCTTCACGGGCTATTGAAGAACTTGGAGTCTCTTC-3'